The following is an entry in ClinVar:

NM_144670.6(A2ML1):c.3769A>G (p.Met1257Val)

Gene: A2ML1 (alpha-2-macroglobulin like 1; plus strand). Cytogenetic location: 12p13.31.
Variant type: single nucleotide variant.
Coding change: c.3769A>G on transcript NM_144670.6 (MANE Select); coding-DNA position 3769, A replaced by G.
Protein change: p.Met1257Val; replaces methionine 1257 with valine.
Molecular consequence: missense variant.
Genome position (GRCh38, 1-based): chr12:8,867,893, A>G. VCF-style: chr12-8867893-A-G. GRCh37 (hg19) VCF-style: chr12-9020489-A-G.
Other names: c.2296A>G, p.Met766Val (NM_001282424.3); short protein forms M1257V, M766V.
Identifiers: ClinVar variation 384670 (VCV000384670.16), dbSNP rs7308811, ClinGen allele CA6436474.

ClinVar aggregate classification (germline): Benign/Likely benign. Review status: criteria provided, multiple submitters, no conflicts (2 of 4 stars). 7 submissions from 7 submitters: Benign (4); Likely benign (1). 2 of the submissions do not count toward it. Last evaluated 2026-02-04.

Allele frequency attached by ClinVar (database versions not stated): ESP Exome Variant Server 0.77746; gnomAD 0.78244 and 0.79378; TOPMed 0.78755; 1000 Genomes Project 30x 0.84291; 1000 Genomes Project 0.85264; ExAC 0.85911.

Submissions (7):

Labcorp Genetics (formerly Invitae), Labcorp
Classification: Benign. Last evaluated: 2026-02-04. Review status: criteria provided, single submitter. Criteria: Invitae Variant Classification Sherloc (09022015). Collection method: clinical testing. Allele origin: germline.

Blueprint Genetics
Classification: Likely benign. Last evaluated: 2024-11-27. Review status: criteria provided, single submitter. Criteria: ACMG Guidelines, 2015. Collection method: clinical testing. Allele origin: germline.

Women's Health and Genetics/Laboratory Corporation of America, LabCorp
Classification: Benign. Last evaluated: 2019-08-12. Review status: criteria provided, single submitter. Criteria: LabCorp Variant Classification Summary - May 2015. Collection method: clinical testing. Allele origin: germline.
Comment: Variant summary: A2ML1 c.3769A>G (p.Met1257Val) results in a conservative amino acid change in the encoded protein sequence. Five of five in-silico tools predict a benign effect of the variant on protein function. The variant allele was found at a frequency of 0.87 in 249550 control chromosomes, suggesting that it is the major allele and therefore benign. A ClinVar submission (evaluation after 2014) cites the variant as benign. Based on the evidence outlined above, the variant was classified as benign.

GeneDx
Classification: Benign. Last evaluated: 2016-09-25. Review status: criteria provided, single submitter. Criteria: GeneDx Variant Classification (06012015). Collection method: clinical testing. Allele origin: germline. Affected: yes.
Comment: This variant is considered likely benign or benign based on one or more of the following criteria: it is a conservative change, it occurs at a poorly conserved position in the protein, it is predicted to be benign by multiple in silico algorithms, and/or has population frequency not consistent with disease.

Breakthrough Genomics
Classification: Benign. Review status: criteria provided, single submitter. Criteria: ACMG Guidelines, 2015. Collection method: not provided. Allele origin: germline. Inheritance: Autosomal dominant inheritance. Affected: yes.

Clinical Genetics, Academic Medical Center
Classification: Benign. Review status: no assertion criteria provided. Collection method: clinical testing. Allele origin: germline. Affected: yes. Study: VKGL Data-share Consensus. Not counted in ClinVar's aggregate classification.

Diagnostic Laboratory, Department of Genetics, University Medical Center Groningen
Classification: Benign. Review status: no assertion criteria provided. Collection method: clinical testing. Allele origin: germline. Affected: yes. Study: VKGL Data-share Consensus. Not counted in ClinVar's aggregate classification.